The following is an entry in ClinVar:

NM_001384474.1(LOXHD1):c.512-5C>T

Gene: LOXHD1 (lipoxygenase homology PLAT domains 1; minus strand). Cytogenetic location: 18q21.1.
Variant type: single nucleotide variant.
Coding change: c.512-5C>T on transcript NM_001384474.1 (MANE Select); 5 bases into the intron before coding-DNA position 512, C replaced by T.
Molecular consequence: intron variant.
Genome position (GRCh38, 1-based): chr18:46,618,295, G>A on the plus strand (C>T on the coding strand, the complement: LOXHD1 is on the minus strand). VCF-style: chr18-46618295-G-A. GRCh37 (hg19) VCF-style: chr18-44198258-G-A.
Other names: c.512-5C>T (NM_144612.7).
Identifiers: ClinVar variation 513295 (VCV000513295.3), dbSNP rs1555686876, ClinGen allele CA658799048.

ClinVar aggregate classification (germline): Likely benign. Review status: criteria provided, multiple submitters, no conflicts (2 of 4 stars). 2 submissions from 2 submitters: Likely benign (2). Last evaluated 2024-02-29.

Submissions (2):

Labcorp Genetics (formerly Invitae), Labcorp
Classification: Likely benign. Last evaluated: 2024-02-29. Review status: criteria provided, single submitter. Criteria: Invitae Variant Classification Sherloc (09022015). Collection method: clinical testing. Allele origin: germline.

GeneDx
Classification: Likely benign. Last evaluated: 2017-12-01. Review status: criteria provided, single submitter. Criteria: GeneDx Variant Classification (06012015). Collection method: clinical testing. Allele origin: germline. Affected: yes.
Comment: This variant is considered likely benign or benign based on one or more of the following criteria: it is a conservative change, it occurs at a poorly conserved position in the protein, it is predicted to be benign by multiple in silico algorithms, and/or has population frequency not consistent with disease.